The following is an entry in ClinVar:

NM_006015.6(ARID1A):c.3762C>T (p.Gly1254=)

Gene: ARID1A (AT-rich interaction domain 1A; plus strand). Cytogenetic location: 1p36.11.
Variant type: single nucleotide variant.
Coding change: c.3762C>T on transcript NM_006015.6 (MANE Select); coding-DNA position 3762, C replaced by T.
Protein change: p.Gly1254=; no amino-acid change (glycine 1254 retained).
Molecular consequence: synonymous variant.
Genome position (GRCh38, 1-based): chr1:26,773,392, C>T. VCF-style: chr1-26773392-C-T. GRCh37 (hg19) VCF-style: chr1-27099883-C-T.
Other names: c.3762C>T (LRG_875t1); c.3762C>T, p.Gly1254= (NM_139135.4).
Identifiers: ClinVar variation 434323 (VCV000434323.39), dbSNP rs138814830, ClinGen allele CA707301.

ClinVar aggregate classification (germline): Benign/Likely benign. Review status: criteria provided, multiple submitters, no conflicts (2 of 4 stars). 7 submissions from 7 submitters: Benign (4); Likely benign (2). 1 of the submissions does not count toward it. Last evaluated 2026-01-31.

Conditions:
ARID1A-related disorder. Also called: ARID1A-related condition.
Intellectual disability, autosomal dominant 14 (CSS2). Also called: COFFIN-SIRIS SYNDROME 2. Identifiers: Orphanet 1465, MedGen C3553247, MONDO:0013819, OMIM 614607.

Allele frequency attached by ClinVar (database versions not stated): ESP Exome Variant Server 0.00038; ExAC 0.00046; TOPMed 0.00046; gnomAD exomes 0.00051; gnomAD 0.00058 and 0.00060.
gnomAD v4.1: 2,075 of 1,612,132 alleles (0.13%); highest among the groups gnomAD compares: Non-Finnish European, 0.17%; 1 homozygote.

Submissions (8):

Labcorp Genetics (formerly Invitae), Labcorp
Classification: Benign. Last evaluated: 2026-01-31. Review status: criteria provided, single submitter. Criteria: Invitae Variant Classification Sherloc (09022015). Collection method: clinical testing. Allele origin: germline.

CeGaT Center for Human Genetics Tuebingen
Classification: Likely benign. Last evaluated: 2025-02-01. Review status: criteria provided, single submitter. Criteria: CeGaT Center For Human Genetics Tuebingen Variant Classification Criteria Version 2. Collection method: clinical testing. Allele origin: germline. Affected: yes. Observed: 2 variant alleles.
Comment: ARID1A: BP4, BP7, BS1

Blueprint Genetics
Classification: Likely benign. Last evaluated: 2024-09-03. Review status: criteria provided, single submitter. Criteria: ACMG Guidelines, 2015. Collection method: clinical testing. Allele origin: germline.

Genome-Nilou Lab
Classification: Benign for Intellectual disability, autosomal dominant 14. Last evaluated: 2021-12-05. Review status: criteria provided, single submitter. Criteria: ACMG Guidelines, 2015. Collection method: clinical testing. Allele origin: germline. Affected: no.

GeneDx
Classification: Benign. Last evaluated: 2020-03-09. Review status: criteria provided, single submitter. Criteria: GeneDx Variant Classification Process June 2021. Collection method: clinical testing. Allele origin: germline. Affected: yes.

Genetic Services Laboratory, University of Chicago
Classification: Benign. Last evaluated: 2017-07-26. Review status: criteria provided, single submitter. Criteria: ACMG Guidelines, 2015. Collection method: clinical testing. Allele origin: germline. Affected: no.

PreventionGenetics, part of Exact Sciences
Classification: Likely benign for ARID1A-related condition. Last evaluated: 2021-09-10. Review status: no assertion criteria provided. Collection method: clinical testing. Allele origin: germline. Not counted in ClinVar's aggregate classification.
Comment: This variant is classified as likely benign based on ACMG/AMP sequence variant interpretation guidelines (Richards et al. 2015 PMID: 25741868, with internal and published modifications).

Dr. Peter K. Rogan Lab, Western University
No classification provided (evidence only). Condition: Malignant tumor of urinary bladder. Review status: no classification provided. Collection method: in vitro. Allele origin: not applicable. Functional consequence: retained intron. Not counted in ClinVar's aggregate classification.